The following is an entry in ClinVar:

NM_000043.6(FAS):c.910T>C (p.Cys304Arg)

Gene: FAS (Fas cell surface death receptor; plus strand). Cytogenetic location: 10q23.31.
Variant type: single nucleotide variant.
Coding change: c.910T>C on transcript NM_000043.6 (MANE Select); coding-DNA position 910, T replaced by C.
Protein change: p.Cys304Arg; replaces cysteine 304 with arginine.
Molecular consequence: missense variant. On other transcripts: 3 prime UTR variant (2), non-coding transcript variant (7).
Genome position (GRCh38, 1-based): chr10:89,014,352, T>C. VCF-style: chr10-89014352-T-C. GRCh37 (hg19) VCF-style: chr10-90774109-T-C.
Other names: c.*233T>C (NM_001320619.2); c.955T>C, p.Cys319Arg (NM_001410956.1); c.847T>C, p.Cys283Arg (NM_152871.4); c.*222T>C (NM_152872.4); short protein forms C319R, C283R, C304R.
Identifiers: ClinVar variation 2980170 (VCV002980170.3), dbSNP rs1275805220, ClinGen allele CA377510092.

ClinVar aggregate classification (germline): Uncertain significance (1 of 4 stars; one submission).

Conditions:
Autoimmune lymphoproliferative syndrome type 1. Also called: AUTOIMMUNE LYMPHOPROLIFERATIVE SYNDROME, TYPE I, AUTOSOMAL DOMINANT. Identifiers: Orphanet 3261, MedGen C2717884, MONDO:0011158, OMIM 601859.

Submission:

Labcorp Genetics (formerly Invitae), Labcorp
Classification: Uncertain significance for Autoimmune lymphoproliferative syndrome. Last evaluated: 2023-04-30. Review status: criteria provided, single submitter. Criteria: Invitae Variant Classification Sherloc (09022015). Collection method: clinical testing. Allele origin: germline.
Comment: In summary, the available evidence is currently insufficient to determine the role of this variant in disease. Therefore, it has been classified as a Variant of Uncertain Significance. Algorithms developed to predict the effect of missense changes on protein structure and function output the following: SIFT: "Not Available"; PolyPhen-2: "Benign"; Align-GVGD: "Not Available". The arginine amino acid residue is found in multiple mammalian species, which suggests that this missense change does not adversely affect protein function. This variant has not been reported in the literature in individuals affected with FAS-related conditions. This variant is not present in population databases (gnomAD no frequency). This sequence change replaces cysteine, which is neutral and slightly polar, with arginine, which is basic and polar, at codon 304 of the FAS protein (p.Cys304Arg).